The following is an entry in ClinVar:

NM_001100.4(ACTA1):c.532A>C (p.Met178Leu)

Gene: ACTA1 (actin alpha 1, skeletal muscle; minus strand). Cytogenetic location: 1q42.13.
Variant type: single nucleotide variant.
Coding change: c.532A>C on transcript NM_001100.4 (MANE Select); coding-DNA position 532, A replaced by C.
Protein change: p.Met178Leu; replaces methionine 178 with leucine.
Molecular consequence: missense variant.
Genome position (GRCh38, 1-based): chr1:229,432,354, T>G on the plus strand (A>C on the coding strand, the complement: ACTA1 is on the minus strand). VCF-style: chr1-229432354-T-G. GRCh37 (hg19) VCF-style: chr1-229568101-T-G.
Other names: short protein forms M178L.
Identifiers: ClinVar variation 1713410 (VCV001713410.6), dbSNP rs2527437917, ClinGen allele CA345148400.

ClinVar aggregate classification (germline): Uncertain significance (1 of 4 stars; one submission).

Conditions:
Actin accumulation myopathy (CMYO2A). Also called: Myopathy, actin, congenital, with cores; Nemaline myopathy 3, with intranuclear rods; Nemaline myopathy type 3; Myopathy, actin, congenital, with excess of thin myofilaments; CONGENITAL MYOPATHY 2A, TYPICAL, AUTOSOMAL DOMINANT. Identifiers: Orphanet 98904, MedGen C3711389, MONDO:0008070, OMIM 161800.

Submission:

Labcorp Genetics (formerly Invitae), Labcorp
Classification: Uncertain significance for Actin accumulation myopathy. Last evaluated: 2022-07-29. Review status: criteria provided, single submitter. Criteria: Invitae Variant Classification Sherloc (09022015). Collection method: clinical testing. Allele origin: germline.
Comment: This sequence change replaces methionine, which is neutral and non-polar, with leucine, which is neutral and non-polar, at codon 178 of the ACTA1 protein (p.Met178Leu). This variant is not present in population databases (gnomAD no frequency). This variant has not been reported in the literature in individuals affected with ACTA1-related conditions. Advanced modeling of protein sequence and biophysical properties (such as structural, functional, and spatial information, amino acid conservation, physicochemical variation, residue mobility, and thermodynamic stability) performed at Invitae indicates that this missense variant is not expected to disrupt ACTA1 protein function. In summary, the available evidence is currently insufficient to determine the role of this variant in disease. Therefore, it has been classified as a Variant of Uncertain Significance.